The following is an entry in ClinVar:

NM_018051.5(DYNC2I1):c.2318C>T (p.Thr773Met)

Gene: DYNC2I1 (dynein 2 intermediate chain 1; plus strand). Cytogenetic location: 7q36.3.
Variant type: single nucleotide variant.
Coding change: c.2318C>T on transcript NM_018051.5 (MANE Select); coding-DNA position 2318, C replaced by T.
Protein change: p.Thr773Met; replaces threonine 773 with methionine.
Molecular consequence: missense variant.
Genome position (GRCh38, 1-based): chr7:158,926,247, C>T. VCF-style: chr7-158926247-C-T. GRCh37 (hg19) VCF-style: chr7-158718938-C-T.
Other names: c.2180C>T, p.Thr727Met (NM_001350914.2); c.1745C>T, p.Thr582Met (NM_001350915.2); c.857C>T, p.Thr286Met (NM_001350916.2); c.1070C>T, p.Thr357Met (NM_001350917.2, NM_001350918.2); c.2318C>T (NM_018051.4); short protein forms T286M, T357M, T727M, T773M, T582M.
Identifiers: ClinVar variation 2060924 (VCV002060924.4), dbSNP rs866573617, ClinGen allele CA170056467.

ClinVar aggregate classification (germline): Uncertain significance. Review status: criteria provided, multiple submitters, no conflicts (2 of 4 stars). 2 submissions from 2 submitters: Uncertain significance (2). Last evaluated 2022-11-10.

Conditions:
Inborn genetic diseases. Identifiers: MedGen C0950123, MeSH D030342.
Short-rib thoracic dysplasia 8 with or without polydactyly (SRTD8). Also called: SHORT-RIB THORACIC DYSPLASIA 8 WITH POLYDACTYLY. Identifiers: Orphanet 93271, MedGen C3809691, MONDO:0014214, OMIM 615503.

Allele frequency attached by ClinVar (database versions not stated): gnomAD exomes below 0.00001; gnomAD 0.00001; TOPMed 0.00002.
gnomAD v4.1: 5 of 1,613,460 alleles (0.00031%); highest among the groups gnomAD compares: African/African-American, 0.004%; no homozygotes.

Submissions (2):

Ambry Genetics
Classification: Uncertain significance for Inborn genetic diseases. Last evaluated: 2022-11-10. Review status: criteria provided, single submitter. Criteria: Ambry Variant Classification Scheme 2023. Collection method: clinical testing. Allele origin: germline.

Labcorp Genetics (formerly Invitae), Labcorp
Classification: Uncertain significance for Short-rib thoracic dysplasia 8 with or without polydactyly. Last evaluated: 2022-07-30. Review status: criteria provided, single submitter. Criteria: Invitae Variant Classification Sherloc (09022015). Collection method: clinical testing. Allele origin: germline.
Comment: In summary, the available evidence is currently insufficient to determine the role of this variant in disease. Therefore, it has been classified as a Variant of Uncertain Significance. Algorithms developed to predict the effect of missense changes on protein structure and function are either unavailable or do not agree on the potential impact of this missense change (SIFT: "Deleterious"; PolyPhen-2: "Benign"; Align-GVGD: "Class C0"). This variant has not been reported in the literature in individuals affected with WDR60-related conditions. This variant is present in population databases (no rsID available, gnomAD 0.01%). This sequence change replaces threonine, which is neutral and polar, with methionine, which is neutral and non-polar, at codon 773 of the WDR60 protein (p.Thr773Met).